The following is an entry in ClinVar:

ClinVar aggregate classification (germline): Pathogenic (1 of 4 stars; one submission).

Submission:

Labcorp Genetics (formerly Invitae), Labcorp
Classification: Pathogenic. Last evaluated: 2025-12-22. Review status: criteria provided, single submitter. Criteria: Invitae Variant Classification Sherloc (09022015). Collection method: clinical testing. Allele origin: germline.
Comment: This sequence change creates a premature translational stop signal (p.Arg427*) in the MSN gene. It is expected to result in an absent or disrupted protein product. Loss-of-function variants in MSN are known to be pathogenic (PMID: 27405666). This variant is not present in population databases (gnomAD no frequency). This variant has not been reported in the literature in individuals affected with MSN-related conditions. For these reasons, this variant has been classified as Pathogenic.

Literature cited by the submitters: PubMed 27405666.

NM_002444.3(MSN):c.1279C>T (p.Arg427Ter)

Gene: MSN (moesin; plus strand). Cytogenetic location: Xq12.
Variant type: single nucleotide variant.
Coding change: c.1279C>T on transcript NM_002444.3 (MANE Select); coding-DNA position 1279, C replaced by T.
Protein change: p.Arg427Ter; replaces arginine 427 with a stop codon.
Molecular consequence: nonsense.
Genome position (GRCh38, 1-based): chrX:65,738,552, C>T. VCF-style: chrX-65738552-C-T. GRCh37 (hg19) VCF-style: chrX-64958414-C-T.
Other names: c.1282C>T, p.Arg428Ter (NM_001440778.1); short protein forms R427*, R428*.
Identifiers: ClinVar variation 4714962 (VCV004714962.1).